The following is an entry in ClinVar:

ClinVar aggregate classification (germline): Conflicting classifications of pathogenicity. Review status: criteria provided, conflicting classifications (1 of 4 stars). 10 submissions from 10 submitters: Uncertain significance (2); Likely benign (7). 1 of the submissions does not count toward it. Last evaluated 2025-12-16.

Conditions:
ATM-related disorder. Also called: ATM-related disorders; ATM-related condition.
Hereditary cancer-predisposing syndrome. Also called: Hereditary Cancer Syndrome; Neoplastic Syndromes, Hereditary; Tumor predisposition; Hereditary neoplastic syndrome. Identifiers: Orphanet 140162, MedGen C0027672, MeSH D009386, MONDO:0015356.
Familial cancer of breast. Also called: BREAST CANCER, FAMILIAL; Hereditary breast cancer; hereditary breast carcinoma. Identifiers: Orphanet 227535, MedGen C0346153, MONDO:0016419, OMIM 114480. Disease mechanism: loss of function.
Ataxia-telangiectasia syndrome (AT). Also called: Ataxia-telangiectasia, complementation group D; AT, COMPLEMENTATION GROUP C; ATAXIA-TELANGIECTASIA, COMPLEMENTATION GROUP A; ATAXIA-TELANGIECTASIA, FRESNO VARIANT; Ataxia-telangiectasia; LOUIS-BAR SYNDROME. Identifiers: Orphanet 100, MedGen C0004135, MONDO:0008840, OMIM 208900.

Allele frequency attached by ClinVar (database versions not stated): gnomAD exomes below 0.00001 and 0.00002; ExAC 0.00002; ESP Exome Variant Server 0.00008; gnomAD 0.00009; TOPMed 0.00009.
gnomAD v4.1: 29 of 1,602,428 alleles (0.0018%); highest among the groups gnomAD compares: African/African-American, 0.02%; no homozygotes.

Submissions (10):

Labcorp Genetics (formerly Invitae), Labcorp
Classification: Likely benign for Ataxia-telangiectasia syndrome. Last evaluated: 2025-12-16. Review status: criteria provided, single submitter. Criteria: Invitae Variant Classification Sherloc (09022015). Collection method: clinical testing. Allele origin: germline.

Mayo Clinic Laboratories, Mayo Clinic
Classification: Likely benign. Last evaluated: 2025-06-04. Review status: criteria provided, single submitter. Criteria: ACMG Guidelines, 2015. Collection method: clinical testing. Allele origin: germline. Observed: 1 variant allele.
Comment: BP4, BP7

Quest Diagnostics Nichols Institute San Juan Capistrano
Classification: Likely benign. Last evaluated: 2025-02-21. Review status: criteria provided, single submitter. Criteria: Quest Diagnostics criteria. Collection method: clinical testing. Allele origin: unknown.

Molecular Diagnostics Laboratory, Catalan Institute of Oncology
Classification: Uncertain significance for Hereditary cancer-predisposing syndrome. Last evaluated: 2024-12-11. Review status: criteria provided, single submitter. Criteria: ClinGen ACMG Specifications ATM V1.1.0. Collection method: clinical testing. Allele origin: germline.
Comment: BP4 ATM c.332-3T>C is an intronic variant close to a canonical splice site.This variant is found in 6/23280 at a filtering allele frequency of 0.016% in the gnomAD v2.1.1 database African non-cancer data set. The SpliceAI algorithm predicts no significant impact on splicing (BP4). To our knowledge, functional studies have not been reported for this variant. This variant has been reported in ClinVar database (1x uncertain significance, 6x as likely benign) but it is not present in the LOVD database. Based on currently available information, the variant c.332-3T>C is classified as an uncertain significance variant according to ClinGen-ATM Guidelines version 1.1.

Myriad Genetics, Inc.
Classification: Likely benign for Familial cancer of breast. Last evaluated: 2024-04-18. Review status: criteria provided, single submitter. Criteria: Myriad Autosomal Dominant, Autosomal Recessive and X-Linked Classification Criteria (2023). Collection method: clinical testing. Allele origin: unknown.
Comment: This variant is considered likely benign. This variant is intronic and is not expected to impact mRNA splicing.

Women's Health and Genetics/Laboratory Corporation of America, LabCorp
Classification: Uncertain significance. Last evaluated: 2020-07-30. Review status: criteria provided, single submitter. Criteria: LabCorp Variant Classification Summary - May 2015. Collection method: clinical testing. Allele origin: germline.
Comment: Variant summary: ATM c.332-3T>C alters a non-conserved nucleotide located close to a canonical splice site and therefore could affect mRNA splicing, leading to a significantly altered protein sequence. 4/4 computational tools predict no significant impact on normal splicing. However, these predictions have yet to be confirmed by functional studies. The variant allele was found at a frequency of 1.6e-05 in 249792 control chromosomes. The available data on variant occurrences in the general population are insufficient to allow any conclusion about variant significance. To our knowledge, no occurrence of c.332-3T>C in individuals affected with Breast Cancer and no experimental evidence demonstrating its impact on protein function have been reported. Four clinical diagnostic laboratories have submitted clinical-significance assessments for this variant to ClinVar after 2014 without evidence for independent evaluation. Multiple laboratories reported the variant with conflicting assessments (likely benign n=2, VUS n=2). Based on the evidence outlined above, the variant was classified as uncertain significance.

GeneDx
Classification: Likely benign. Last evaluated: 2020-03-27. Review status: criteria provided, single submitter. Criteria: GeneDx Variant Classification Process June 2021. Collection method: clinical testing. Allele origin: germline. Affected: yes.

Ambry Genetics
Classification: Likely benign for Hereditary cancer-predisposing syndrome. Last evaluated: 2019-12-27. Review status: criteria provided, single submitter. Criteria: Ambry Variant Classification Scheme 2023. Collection method: clinical testing. Allele origin: germline.

Color Diagnostics, LLC DBA Color Health
Classification: Likely benign for Hereditary cancer-predisposing syndrome. Last evaluated: 2016-11-22. Review status: criteria provided, single submitter. Criteria: ACMG Guidelines, 2015. Collection method: clinical testing. Allele origin: germline.

PreventionGenetics, part of Exact Sciences
Classification: Likely benign for ATM-related condition. Last evaluated: 2024-02-22. Review status: no assertion criteria provided. Collection method: clinical testing. Allele origin: germline. Not counted in ClinVar's aggregate classification.
Comment: This variant is classified as likely benign based on ACMG/AMP sequence variant interpretation guidelines (Richards et al. 2015 PMID: 25741868, with internal and published modifications).

NM_000051.4(ATM):c.332-3T>C

Gene: ATM (ATM serine/threonine kinase; plus strand). Cytogenetic location: 11q22.3.
Variant type: single nucleotide variant.
Coding change: c.332-3T>C on transcript NM_000051.4 (MANE Select); 3 bases into the intron before coding-DNA position 332, T replaced by C.
Molecular consequence: intron variant.
Genome position (GRCh38, 1-based): chr11:108,235,667, T>C. VCF-style: chr11-108235667-T-C. GRCh37 (hg19) VCF-style: chr11-108106394-T-C.
Other names: p.?; c.332-3T>C (NM_001351834.2).
Identifiers: ClinVar variation 186467 (VCV000186467.23), dbSNP rs376116157, ClinGen allele CA194908.